The following is an entry in ClinVar:

NM_198253.3(TERT):c.2633C>T (p.Thr878Ile)

Gene: TERT (telomerase reverse transcriptase; minus strand). Cytogenetic location: 5p15.33.
Variant type: single nucleotide variant.
Coding change: c.2633C>T on transcript NM_198253.3 (MANE Select); coding-DNA position 2633, C replaced by T.
Protein change: p.Thr878Ile; replaces threonine 878 with isoleucine.
Molecular consequence: missense variant. On other transcripts: non-coding transcript variant (2).
Genome position (GRCh38, 1-based): chr5:1,266,485, G>A on the plus strand (C>T on the coding strand, the complement: TERT is on the minus strand). VCF-style: chr5-1266485-G-A. GRCh37 (hg19) VCF-style: chr5-1266600-G-A.
Other names: c.2633C>T, p.Thr878Ile (NM_001193376.3); short protein forms T878I.
Identifiers: ClinVar variation 3967329 (VCV003967329.1).

ClinVar aggregate classification (germline): Uncertain significance (1 of 4 stars; one submission).

Conditions:
Dyskeratosis congenita. Identifiers: Orphanet 1775, MedGen C0265965, MONDO:0015780.

Submission:

Ambry Genetics
Classification: Uncertain significance for Dyskeratosis congenita. Last evaluated: 2025-05-23. Review status: criteria provided, single submitter. Criteria: Ambry Variant Classification Scheme 2023. Collection method: clinical testing. Allele origin: germline.
Comment: The p.T878I variant (also known as c.2633C>T), located in coding exon 10 of the TERT gene, results from a C to T substitution at nucleotide position 2633. The threonine at codon 878 is replaced by isoleucine, an amino acid with similar properties. This amino acid position is conserved. In addition, the in silico prediction for this alteration is inconclusive. Based on the available evidence, the clinical significance of this variant remains unclear.